The following is an entry in ClinVar:

ClinVar aggregate classification (germline): Pathogenic/Likely pathogenic. Review status: criteria provided, multiple submitters, no conflicts (2 of 4 stars). 4 submissions from 4 submitters: Pathogenic (1); Likely pathogenic (2). 1 of the submissions does not count toward it. Last evaluated 2025-03-20.

Conditions:
Bardet-Biedl syndrome 10 (BBS10). Identifiers: Orphanet 110, MedGen C1859568, MONDO:0014438, OMIM 615987.
Bardet-Biedl syndrome (BBS). Identifiers: Orphanet 110, MedGen C0752166, MONDO:0015229.

Submissions (4):

Natera, Inc.
Classification: Likely pathogenic for Bardet-Biedl syndrome type 10. Last evaluated: 2025-03-20. Review status: criteria provided, single submitter. Criteria: Natera Variant Classification Schema (03/2026). Collection method: clinical testing. Allele origin: germline.
Comment: The c.1959del variant in BBS10 is a frameshift variant predicted to shift the reading frame beginning at codon 655 and leads to a stop codon 5 codons downstream. This variant is expected to result in nonsense mediated decay, truncation, or a dysfunctional protein product. This variant is rare in the general population with a frequency below the threshold expected for the associated phenotype(s). Given the available evidence, this variant is classified as Likely Pathogenic.

MVZ Medizinische Genetik Mainz
Classification: Likely pathogenic for Bardet-Biedl syndrome 10. Last evaluated: 2023-10-31. Review status: criteria provided, single submitter. Criteria: UK Practice Guidelines For Variant Classification V4 01 2020. Collection method: clinical testing. Allele origin: germline. Inheritance: Autosomal recessive inheritance. Affected: yes. Observed: 1 variant allele.
Comment: ACMG Criteria: PVS1_STR,PM2_SUP,PM3_SUP,PP4

Labcorp Genetics (formerly Invitae), Labcorp
Classification: Pathogenic for Bardet-Biedl syndrome. Last evaluated: 2023-10-16. Review status: criteria provided, single submitter. Criteria: Invitae Variant Classification Sherloc (09022015). Collection method: clinical testing. Allele origin: germline.
Comment: This sequence change creates a premature translational stop signal (p.Pro655Hisfs*5) in the BBS10 gene. While this is not anticipated to result in nonsense mediated decay, it is expected to disrupt the last 69 amino acid(s) of the BBS10 protein. This variant is not present in population databases (gnomAD no frequency). This variant has not been reported in the literature in individuals affected with BBS10-related conditions. ClinVar contains an entry for this variant (Variation ID: 370612). This variant disrupts a region of the BBS10 protein in which other variant(s) (p.Val707*) have been determined to be pathogenic (PMID: 20472660, 22773737, 25982971, 27486776). This suggests that this is a clinically significant region of the protein, and that variants that disrupt it are likely to be disease-causing. For these reasons, this variant has been classified as Pathogenic.

Counsyl
Classification: Likely pathogenic for Bardet-Biedl syndrome 10. Last evaluated: 2016-03-09. Review status: no assertion criteria provided. Collection method: clinical testing. Allele origin: unknown. Not counted in ClinVar's aggregate classification.

Literature cited by the submitters: PubMed 20472660 (cited by Labcorp Genetics (formerly Invitae), Labcorp); PubMed 22773737 (cited by Labcorp Genetics (formerly Invitae), Labcorp); PubMed 25982971 (cited by Labcorp Genetics (formerly Invitae), Labcorp); PubMed 27486776 (cited by Labcorp Genetics (formerly Invitae), Labcorp).

NM_024685.4(BBS10):c.1959del (p.Pro655fs)

Gene: BBS10 (Bardet-Biedl syndrome 10; minus strand). Cytogenetic location: 12q21.2.
Variant type: Deletion.
Coding change: c.1959del on transcript NM_024685.4 (MANE Select); coding-DNA position 1959, one base deleted (C; older notation c.1959delC).
Protein change: p.Pro655fs; shifts the reading frame from proline 655.
Molecular consequence: frameshift variant.
Genome position (GRCh38, 1-based): chr12:76,346,026, G deleted on the plus strand (C on the coding strand, the reverse complement: BBS10 is on the minus strand). VCF-style (leftmost placement, unchanged base first): chr12-76346025-AG-A. GRCh37 (hg19) VCF-style: chr12-76739805-AG-A.
Other names: c.1959del, p.Pro655fs (LRG_1255t1); c.1959del (NM_024685.3); short protein forms P655fs.
Identifiers: ClinVar variation 370612 (VCV000370612.17), dbSNP rs1057516628, ClinGen allele CA16041575.